The following is an entry in ClinVar:

NM_000337.6(SGCD):c.631A>C (p.Asn211His)

Gene: SGCD (sarcoglycan delta; plus strand). Cytogenetic location: 5q33.3.
Variant type: single nucleotide variant.
Coding change: c.631A>C on transcript NM_000337.6 (MANE Select); coding-DNA position 631, A replaced by C.
Protein change: p.Asn211His; replaces asparagine 211 with histidine.
Molecular consequence: missense variant.
Genome position (GRCh38, 1-based): chr5:156,757,636, A>C. VCF-style: chr5-156757636-A-C. GRCh37 (hg19) VCF-style: chr5-156184647-A-C.
Other names: c.628A>C, p.Asn210His (NM_001128209.2); c.631A>C, p.Asn211His (NM_172244.3); short protein forms N211H, N210H.
Identifiers: ClinVar variation 1488542 (VCV001488542.6), dbSNP rs527801800, ClinGen allele CA3530649.
Genomic context (GRCh38, chr5:156,757,636, plus strand): 5'-TTCAGGTTGGAGTCCCCAACCCGGTCTCTAGTGATGGAGGCCCCAAAAGGAGTGGAAATC[A>C]ATGCAGAAGCTGGCAATATGGAAGCCACCTGCAGGACAGAGCTGAGACTGGAATCCAAAG-3'
Protein context (NP_000328.2, residues 201-221): VMEAPKGVEI[Asn211His]AEAGNMEATC

ClinVar aggregate classification (germline): Uncertain significance (1 of 4 stars; one submission).

Conditions:
Autosomal recessive limb-girdle muscular dystrophy type 2F (LGMDR6). Also called: MUSCULAR DYSTROPHY, LIMB-GIRDLE, AUTOSOMAL RECESSIVE 6; Muscular dystrophy limb-girdle with delta-sarcoglyan deficiency. Identifiers: Orphanet 219, MedGen C1832525, MONDO:0011028, OMIM 601287. Disease mechanism: Affects gamma-sarcoglycan and also disrupts the integrity of the entire sarcoglycan complex..

Allele frequency attached by ClinVar (database versions not stated): gnomAD exomes below 0.00001; ExAC 0.00001; gnomAD 0.00001; 1000 Genomes Project 30x 0.00016; 1000 Genomes Project 0.00020.
gnomAD v4.1: 1 of 1,611,508 alleles (0.000062%); highest among the groups gnomAD compares: African/African-American, 0.0013%; no homozygotes.

Submission:

Labcorp Genetics (formerly Invitae), Labcorp
Classification: Uncertain significance for Autosomal recessive limb-girdle muscular dystrophy type 2F. Last evaluated: 2022-07-21. Review status: criteria provided, single submitter. Criteria: Invitae Variant Classification Sherloc (09022015). Collection method: clinical testing. Allele origin: germline.
Comment: This sequence change replaces asparagine, which is neutral and polar, with histidine, which is basic and polar, at codon 211 of the SGCD protein (p.Asn211His). This variant is present in population databases (rs527801800, gnomAD 0.007%). This variant has not been reported in the literature in individuals affected with SGCD-related conditions. ClinVar contains an entry for this variant (Variation ID: 1488542). Algorithms developed to predict the effect of missense changes on protein structure and function (SIFT, PolyPhen-2, Align-GVGD) all suggest that this variant is likely to be tolerated. In summary, the available evidence is currently insufficient to determine the role of this variant in disease. Therefore, it has been classified as a Variant of Uncertain Significance.